The following is an entry in ClinVar:

NM_001009944.3(PKD1):c.9081A>G (p.Thr3027=)

Gene: PKD1 (polycystin 1, transient receptor potential channel interacting; minus strand). Cytogenetic location: 16p13.3.
Variant type: single nucleotide variant.
Coding change: c.9081A>G on transcript NM_001009944.3 (MANE Select); coding-DNA position 9081, A replaced by G.
Protein change: p.Thr3027=; no amino-acid change (threonine 3027 retained).
Molecular consequence: synonymous variant.
Genome position (GRCh38, 1-based): chr16:2,102,501, T>C on the plus strand (A>G on the coding strand, the complement: PKD1 is on the minus strand). VCF-style: chr16-2102501-T-C. GRCh37 (hg19) VCF-style: chr16-2152502-T-C.
Other names: c.9081A>G, p.Thr3027= (NM_000296.4).
Identifiers: ClinVar variation 5000303 (VCV005000303.1).

ClinVar aggregate classification (germline): Likely benign (1 of 4 stars; one submission).

Conditions:
PKD1-related disorder. Also called: PKD1-related condition.

gnomAD v4.1: 1 of 1,589,090 alleles (0.000063%); highest among the groups gnomAD compares: South Asian, 0.0011%; no homozygotes.

Submission:

PreventionGenetics, part of Exact Sciences
Classification: Likely benign for PKD1-related condition. Last evaluated: 2026-02-27. Review status: criteria provided, single submitter. Criteria: ACMG Guidelines, 2015. Collection method: clinical testing. Allele origin: germline.
Comment: This variant is classified as likely benign based on ACMG/AMP sequence variant interpretation guidelines (Richards et al. 2015 PMID: 25741868, with internal and published modifications).